The following is an entry in ClinVar:

NM_001039591.3(USP9X):c.2284A>G (p.Met762Val)

Gene: USP9X (ubiquitin specific peptidase 9 X-linked; plus strand). Cytogenetic location: Xp11.4.
Variant type: single nucleotide variant.
Coding change: c.2284A>G on transcript NM_001039591.3 (MANE Select); coding-DNA position 2284, A replaced by G.
Protein change: p.Met762Val; replaces methionine 762 with valine.
Molecular consequence: missense variant.
Genome position (GRCh38, 1-based): chrX:41,166,170, A>G. VCF-style: chrX-41166170-A-G. GRCh37 (hg19) VCF-style: chrX-41025423-A-G.
Other names: c.2299A>G, p.Met767Val (NM_001410748.1, NM_001410749.1); c.2284A>G, p.Met762Val (NM_001039590.3); short protein forms M762V, M767V.
Identifiers: ClinVar variation 3377413 (VCV003377413.1).
Genomic context (GRCh38, chrX:41,166,170, plus strand): 5'-CGATTCTTCAAAGCTGTGAATTGTCGAGAAGGAAAACTAGTAGCAAAAAGGAGAGCCTAT[A>G]TGATGGATGACTTGGAGTTAATAGGATTAGATTACCTTTGGAGGGTAAGTCAAAAGTAGG-3'
Protein context (NP_001034680.2, residues 752-772): GKLVAKRRAY[Met762Val]MDDLELIGLD

ClinVar aggregate classification (germline): Uncertain significance (1 of 4 stars; one submission).

Conditions:
Intellectual developmental disorder, X-linked 99, syndromic, female-restricted. Also called: Intellectual disability, X-linked 99, syndromic, female-restricted. Identifiers: MedGen C4225416, MONDO:0010502, OMIM 300968.

Submission:

Victorian Clinical Genetics Services, Murdoch Childrens Research Institute
Classification: Uncertain significance for Intellectual developmental disorder, X-linked 99, syndromic, female-restricted. Last evaluated: 2020-06-11. Review status: criteria provided, single submitter. Criteria: ACMG Guidelines, 2015. Collection method: clinical testing. Allele origin: germline. Affected: yes.
Comment: Based on the classification scheme VCGS_Germline_v1.1.1, this variant is classified as 3B-VUS. Following criteria are met: 0102 - Loss-of-function is a known mechanism of disease for this gene. (N) 0108 - This gene is known to be associated with both X-linked recessive and dominant disease. Dominant inheritance is female-restricted. (N) 0200 - Variant is predicted to result in a missense amino acid change from a methionine to a valine (exon 16). (N) 0251 - Variant is heterozygous. (N) 0301 - Variant is absent from gnomAD. (P) 0503 - Missense variant consistently predicted to be tolerated or not conserved in mammals with a minor amino acid change. (B) 0603 - Missense variant in a region that is highly intolerant to missense variation (high constraint region). (P) 0705 - No comparable variants have previous evidence for pathogenicity. (N) 0807 - Variant has not previously been reported in a clinical context. (N) 0905 - No segregation evidence has been identified for this variant. (N) 1007 - No published functional evidence has been identified for this variant. (N) 1208 – Inheritance information for this variant is not currently available. (N) Legend: (P) - Pathogenic, (N) - Neutral, (B) - Benign